The following is an entry in ClinVar:

NM_017613.4(DONSON):c.786-7T>C

Gene: DONSON (DNA replication fork stabilization factor DONSON; minus strand). Cytogenetic location: 21q22.11.
Variant type: single nucleotide variant.
Coding change: c.786-7T>C on transcript NM_017613.4 (MANE Select); 7 bases into the intron before coding-DNA position 786, T replaced by C.
Molecular consequence: intron variant.
Genome position (GRCh38, 1-based): chr21:33,583,673, A>G on the plus strand (T>C on the coding strand, the complement: DONSON is on the minus strand). VCF-style: chr21-33583673-A-G. GRCh37 (hg19) VCF-style: chr21-34955979-A-G.
Other names: c.786-7T>C (NM_017613.3).
Identifiers: ClinVar variation 2138383 (VCV002138383.6), dbSNP rs202168282, ClinGen allele CA10010500.

ClinVar aggregate classification (germline): Conflicting classifications of pathogenicity. Review status: criteria provided, conflicting classifications (1 of 4 stars). 3 submissions from 3 submitters: Uncertain significance (2); Likely benign (1). Last evaluated 2025-10-23.

Conditions:
DONSON-related disorder. Also called: DONSON-related condition.

Allele frequency attached by ClinVar (database versions not stated): ESP Exome Variant Server 0.00008; gnomAD 0.00008; TOPMed 0.00008; ExAC 0.00009; gnomAD exomes 0.00011; 1000 Genomes Project 30x 0.00016; 1000 Genomes Project 0.00020.
gnomAD v4.1: 168 of 1,571,412 alleles (0.011%); highest among the groups gnomAD compares: Non-Finnish European, 0.014%; no homozygotes.

Submissions (3):

Labcorp Genetics (formerly Invitae), Labcorp
Classification: Likely benign. Last evaluated: 2025-10-23. Review status: criteria provided, single submitter. Criteria: Invitae Variant Classification Sherloc (09022015). Collection method: clinical testing. Allele origin: germline.

Blueprint Genetics
Classification: Uncertain significance. Last evaluated: 2024-11-19. Review status: criteria provided, single submitter. Criteria: ACMG Guidelines, 2015. Collection method: clinical testing. Allele origin: germline.

PreventionGenetics, part of Exact Sciences
Classification: Uncertain significance for DONSON-related condition. Last evaluated: 2023-06-30. Review status: criteria provided, single submitter. Criteria: ACMG Guidelines, 2015. Collection method: clinical testing. Allele origin: germline.
Comment: The DONSON c.786-7T>C variant is predicted to interfere with splicing. This variant is not predicted to alter splicing (Alamut Visual Plus v.1.6.1). However, this variant was reported in the compound heterozygous state with a frameshift variant in an individual with microcephalic dwarfism (Reynolds et al 2017. PubMed ID: 28191891). This variant is reported in 0.014% of alleles in individuals of European (Non-Finnish) descent in gnomAD. At this time, the clinical significance of this variant is uncertain due to the absence of conclusive functional and genetic evidence.